The following is an entry in ClinVar:

NM_001042492.3(NF1):c.1451T>A (p.Leu484Gln)

Gene: NF1 (neurofibromin 1; plus strand). Cytogenetic location: 17q11.2.
Variant type: single nucleotide variant.
Coding change: c.1451T>A on transcript NM_001042492.3 (MANE Select); coding-DNA position 1451, T replaced by A.
Protein change: p.Leu484Gln; replaces leucine 484 with glutamine.
Molecular consequence: missense variant.
Genome position (GRCh38, 1-based): chr17:31,214,509, T>A. VCF-style: chr17-31214509-T-A. GRCh37 (hg19) VCF-style: chr17-29541527-T-A.
Other names: c.1451T>A, p.Leu484Gln (NM_000267.4, NM_001128147.3); short protein forms L484Q.
Identifiers: ClinVar variation 4119164 (VCV004119164.1).
Genomic context (GRCh38, chr17:31,214,509, plus strand): 5'-AGAGTCTTACATTTAAAGAAAAAGTAACAAGCCTTAAATTTAAAGAAAAACCTACAGACC[T>A]GGAGACAAGAAGCTATAAGTATCTTCTCTTGTCCATGGTGAAACTAATTCATGCAGATCC-3'
Protein context (NP_001035957.1, residues 474-494): SLKFKEKPTD[Leu484Gln]ETRSYKYLLL

ClinVar aggregate classification (germline): Uncertain significance (1 of 4 stars; one submission).

Conditions:
Cardiovascular phenotype. Identifiers: MedGen CN230736.
Hereditary cancer-predisposing syndrome. Also called: Hereditary neoplastic syndrome; Neoplastic Syndromes, Hereditary; Tumor predisposition; Hereditary Cancer Syndrome. Identifiers: Orphanet 140162, MedGen C0027672, MeSH D009386, MONDO:0015356.

Submission:

Ambry Genetics
Classification: Uncertain significance for Cardiovascular phenotype; Hereditary cancer-predisposing syndrome. Last evaluated: 2025-08-24. Review status: criteria provided, single submitter. Criteria: Ambry Variant Classification Scheme 2023. Collection method: clinical testing. Allele origin: germline.
Comment: The p.L484Q variant (also known as c.1451T>A), located in coding exon 13 of the NF1 gene, results from a T to A substitution at nucleotide position 1451. The leucine at codon 484 is replaced by glutamine, an amino acid with dissimilar properties. This amino acid position is conserved. In addition, this alteration is predicted to be tolerated by in silico analysis. Based on the available evidence, the clinical significance of this variant remains unclear.